The following is an entry in ClinVar:

ClinVar aggregate classification (germline): Benign/Likely benign. Review status: criteria provided, multiple submitters, no conflicts (2 of 4 stars). 3 submissions from 3 submitters: Benign (1); Likely benign (2). Last evaluated 2025-09-28.

Allele frequency attached by ClinVar (database versions not stated): gnomAD exomes 0.00007 and 0.00031; gnomAD 0.00013 and 0.00017; TOPMed 0.00019; ExAC 0.00021; 1000 Genomes Project 0.00120; 1000 Genomes Project 30x 0.00125.
gnomAD v4.1: 158 of 1,613,994 alleles (0.0098%); highest among the groups gnomAD compares: East Asian, 0.19%; 2 homozygotes.

Submissions (3):

Labcorp Genetics (formerly Invitae), Labcorp
Classification: Benign. Last evaluated: 2025-09-28. Review status: criteria provided, single submitter. Criteria: Invitae Variant Classification Sherloc (09022015). Collection method: clinical testing. Allele origin: germline.

Blueprint Genetics
Classification: Likely benign. Last evaluated: 2024-11-25. Review status: criteria provided, single submitter. Criteria: ACMG Guidelines, 2015. Collection method: clinical testing. Allele origin: germline.

CeGaT Center for Human Genetics Tuebingen
Classification: Likely benign. Last evaluated: 2023-06-01. Review status: criteria provided, single submitter. Criteria: CeGaT Center For Human Genetics Tuebingen Variant Classification Criteria Version 2. Collection method: clinical testing. Allele origin: germline. Affected: yes. Observed: 1 variant allele.
Comment: CDC45: BP4, BP7

NM_003504.5(CDC45):c.768C>T (p.Asn256=)

Gene: CDC45 (cell division cycle 45; plus strand). Cytogenetic location: 22q11.21.
Variant type: single nucleotide variant.
Coding change: c.768C>T on transcript NM_003504.5 (MANE Select); coding-DNA position 768, C replaced by T.
Protein change: p.Asn256=; no amino-acid change (asparagine 256 retained).
Molecular consequence: synonymous variant. On other transcripts: non-coding transcript variant (1).
Genome position (GRCh38, 1-based): chr22:19,505,425, C>T. VCF-style: chr22-19505425-C-T. GRCh37 (hg19) VCF-style: chr22-19492948-C-T.
Other names: c.864C>T, p.Asn288= (NM_001178010.2); c.630C>T, p.Asn210= (NM_001178011.2); c.732C>T, p.Asn244= (NM_001369291.1).
Identifiers: ClinVar variation 714010 (VCV000714010.34), dbSNP rs201188510, ClinGen allele CA10101225.